The following is an entry in ClinVar:

NM_001164277.2(SLC37A4):c.961A>T (p.Thr321Ser)

Gene: SLC37A4 (solute carrier family 37 member 4; minus strand). Cytogenetic location: 11q23.3.
Variant type: single nucleotide variant.
Coding change: c.961A>T on transcript NM_001164277.2 (MANE Select); coding-DNA position 961, A replaced by T.
Protein change: p.Thr321Ser; replaces threonine 321 with serine.
Molecular consequence: missense variant.
Genome position (GRCh38, 1-based): chr11:119,025,990, T>A on the plus strand (A>T on the coding strand, the complement: SLC37A4 is on the minus strand). VCF-style: chr11-119025990-T-A. GRCh37 (hg19) VCF-style: chr11-118896700-T-A.
Other names: c.961A>T, p.Thr321Ser (NM_001164278.2, NM_001164280.2, NM_001467.6); c.742A>T, p.Thr248Ser (NM_001164279.2); short protein forms T248S, T321S.
Identifiers: ClinVar variation 2905563 (VCV002905563.3), dbSNP rs968606656, ClinGen allele CA229597039.
Genomic context (GRCh38, chr11:119,025,990, plus strand): 5'-CTTGTGCCCTGCCGTGAGCCAGGCCTTTCTTAATTACCTTGGGGGAGTCACTGGTCACTG[T>A]TACCCGGAAGAGGTACATGGACACTGTCATGCCAGCCATCATGAACAGCAACAGGCCATG-3'
Protein context (NP_001157749.1, residues 311-331): MTVSMYLFRV[Thr321Ser]VTSDSPKLWI

ClinVar aggregate classification (germline): Uncertain significance (1 of 4 stars; one submission).

Conditions:
Glucose-6-phosphate transport defect (GSD1B). Also called: Glycogen Storage Disease Type Ib; GSD Ib. Identifiers: Orphanet 364, Orphanet 79259, MedGen C0268146, MONDO:0009288, OMIM 232220.

Allele frequency attached by ClinVar (database versions not stated): gnomAD exomes below 0.00001; TOPMed below 0.00001.

Submission:

Labcorp Genetics (formerly Invitae), Labcorp
Classification: Uncertain significance for Glucose-6-phosphate transport defect. Last evaluated: 2023-05-13. Review status: criteria provided, single submitter. Criteria: Invitae Variant Classification Sherloc (09022015). Collection method: clinical testing. Allele origin: germline.
Comment: This variant has not been reported in the literature in individuals affected with SLC37A4-related conditions. This variant is present in population databases (no rsID available, gnomAD 0.0009%). This sequence change replaces threonine, which is neutral and polar, with serine, which is neutral and polar, at codon 321 of the SLC37A4 protein (p.Thr321Ser). In summary, the available evidence is currently insufficient to determine the role of this variant in disease. Therefore, it has been classified as a Variant of Uncertain Significance. Advanced modeling of protein sequence and biophysical properties (such as structural, functional, and spatial information, amino acid conservation, physicochemical variation, residue mobility, and thermodynamic stability) has been performed at Invitae for this missense variant, however the output from this modeling did not meet the statistical confidence thresholds required to predict the impact of this variant on SLC37A4 protein function.